The following is an entry in ClinVar:

ClinVar aggregate classification (germline): Uncertain significance (1 of 4 stars; one submission).

Conditions:
Hereditary spastic paraplegia 11. Also called: SPASTIC PARAPLEGIA, AUTOSOMAL RECESSIVE, COMPLICATED, WITH THIN CORPUS CALLOSUM; SPASTIC PARAPLEGIA, AUTOSOMAL RECESSIVE, WITH MENTAL IMPAIRMENT AND THIN CORPUS CALLOSUM; Spastic Paraplegia 11; Nakamura Osame syndrome; Autosomal recessive hereditary spastic paraplegia, mental impairment, and thin corpus callosum; Spastic paraplegia, mental retardation and thin corpus callosum. Identifiers: Orphanet 2822, MedGen C1858479, MONDO:0011445, OMIM 604360.

Allele frequency attached by ClinVar (database versions not stated): gnomAD exomes below 0.00001; ExAC 0.00001; gnomAD 0.00003.
gnomAD v4.1: 10 of 1,614,094 alleles (0.00062%); highest among the groups gnomAD compares: East Asian, 0.016%; no homozygotes.

Submission:

Labcorp Genetics (formerly Invitae), Labcorp
Classification: Uncertain significance for Hereditary spastic paraplegia 11. Last evaluated: 2018-10-29. Review status: criteria provided, single submitter. Criteria: Invitae Variant Classification Sherloc (09022015). Collection method: clinical testing. Allele origin: germline.
Comment: This variant has not been reported in the literature in individuals with SPG11-related disease. This variant is present in population databases (rs769221549, ExAC 0.001%). This sequence change replaces histidine with arginine at codon 1204 of the SPG11 protein (p.His1204Arg). The histidine residue is moderately conserved and there is a small physicochemical difference between histidine and arginine. Algorithms developed to predict the effect of missense changes on protein structure and function output the following: SIFT: "Tolerated"; PolyPhen-2: "Possibly Damaging"; Align-GVGD: "Class C0". The arginine amino acid residue is found in multiple mammalian species, suggesting that this missense change does not adversely affect protein function. These predictions have not been confirmed by published functional studies and their clinical significance is uncertain. In summary, the available evidence is currently insufficient to determine the role of this variant in disease. Therefore, it has been classified as a Variant of Uncertain Significance. Algorithms developed to predict the effect of sequence changes on RNA splicing suggest that this variant may create or strengthen a splice site, but this prediction has not been confirmed by published transcriptional studies.

NM_025137.4(SPG11):c.3611A>G (p.His1204Arg)

Gene: SPG11 (SPG11 vesicle trafficking associated, spatacsin; minus strand). Cytogenetic location: 15q21.1.
Variant type: single nucleotide variant.
Coding change: c.3611A>G on transcript NM_025137.4 (MANE Select); coding-DNA position 3611, A replaced by G.
Protein change: p.His1204Arg; replaces histidine 1204 with arginine.
Molecular consequence: missense variant.
Genome position (GRCh38, 1-based): chr15:44,600,542, T>C on the plus strand (A>G on the coding strand, the complement: SPG11 is on the minus strand). VCF-style: chr15-44600542-T-C. GRCh37 (hg19) VCF-style: chr15-44892740-T-C.
Other names: c.3611A>G, p.His1204Arg (NM_001160227.2); short protein forms H1204R.
Identifiers: ClinVar variation 641608 (VCV000641608.8), dbSNP rs769221549, ClinGen allele CA7534891.